The following is an entry in ClinVar:

ClinVar aggregate classification (germline): Uncertain significance (1 of 4 stars; one submission).

Allele frequency attached by ClinVar (database versions not stated): TOPMed below 0.00001.
gnomAD v4.1: 1 of 1,614,212 alleles (0.000062%); highest among the groups gnomAD compares: Admixed American, 0.0017%; no homozygotes.

Submission:

Labcorp Genetics (formerly Invitae), Labcorp
Classification: Uncertain significance. Last evaluated: 2022-08-02. Review status: criteria provided, single submitter. Criteria: Invitae Variant Classification Sherloc (09022015). Collection method: clinical testing. Allele origin: germline.
Comment: In summary, the available evidence is currently insufficient to determine the role of this variant in disease. Therefore, it has been classified as a Variant of Uncertain Significance. Algorithms developed to predict the effect of missense changes on protein structure and function are either unavailable or do not agree on the potential impact of this missense change (SIFT: "Tolerated"; PolyPhen-2: "Probably Damaging"; Align-GVGD: "Class C0"). This variant has not been reported in the literature in individuals affected with DHX32-related conditions. This variant is present in population databases (no rsID available, gnomAD 0.003%). This sequence change replaces cysteine, which is neutral and slightly polar, with serine, which is neutral and polar, at codon 35 of the DHX32 protein (p.Cys35Ser).

NM_018180.3(DHX32):c.104G>C (p.Cys35Ser)

Gene: DHX32 (DEAH-box helicase 32 (putative); minus strand). Cytogenetic location: 10q26.2.
Variant type: single nucleotide variant.
Coding change: c.104G>C on transcript NM_018180.3 (MANE Select); coding-DNA position 104, G replaced by C.
Protein change: p.Cys35Ser; replaces cysteine 35 with serine.
Molecular consequence: missense variant.
Genome position (GRCh38, 1-based): chr10:125,880,721, C>G on the plus strand (G>C on the coding strand, the complement: DHX32 is on the minus strand). VCF-style: chr10-125880721-C-G. GRCh37 (hg19) VCF-style: chr10-127569290-C-G.
Other names: short protein forms C35S.
Identifiers: ClinVar variation 2021165 (VCV002021165.4), dbSNP rs1180740558, ClinGen allele CA378669192.
Genomic context (GRCh38, chr10:125,880,721, plus strand): 5'-AGTTTATAATAACGTGATGAATATGGCAATCCATCAAAGGGGTTAAGTTCCAAATCCTCA[C>G]AGGCCAAAACCTCTTCCTCATCCCCATCGCTGGAATCCAGGGATTCAGGAAAATAGCGTT-3'
Protein context (NP_060650.2, residues 25-45): SDGDEEEVLA[Cys35Ser]EDLELNPFDG